The following is an entry in ClinVar:

NM_000159.4(GCDH):c.831_834dup (p.Gly279fs)

Gene: GCDH (glutaryl-CoA dehydrogenase; plus strand). Cytogenetic location: 19p13.13.
Variant type: Duplication.
Coding change: c.831_834dup on transcript NM_000159.4 (MANE Select); coding-DNA positions 831 to 834, 4 bases duplicated (CCCT; older notation c.831_834dupCCCT).
Protein change: p.Gly279fs; shifts the reading frame from glycine 279.
Molecular consequence: frameshift variant. On other transcripts: non-coding transcript variant (2).
Genome position (GRCh38, 1-based): chr19:12,896,400-12,896,403, CCCT duplicated; duplicating any 4 consecutive bases within chr19:12,896,398-12,896,403 gives the same sequence; the c. name uses the placement nearest the transcript's 3' end. VCF-style (leftmost placement, unchanged base first): chr19-12896397-G-GCTCC. GRCh37 (hg19) VCF-style: chr19-13007211-G-GCTCC.
Other names: c.831_834dup, p.Gly279fs (NM_013976.5); short protein forms G279fs.
Identifiers: ClinVar variation 1951275 (VCV001951275.5), dbSNP rs1246987923, ClinGen allele CA632121484.
Genomic context (GRCh38, chr19:12,896,397, plus strand): 5'-GCGGGCCTCAGCCACAGGCATGATCATCATGGACGGTGTGGAGGTGCCAGAGGAGAATGT[G>GCTCC]CTCCCTGGTGCATCCAGCCTGGGGGTAAGTGGCAGCCACTTTGGGAATGGGTGTTGGGTC-3'

ClinVar aggregate classification (germline): Pathogenic (1 of 4 stars; one submission).

Conditions:
Glutaric aciduria, type 1. Also called: Glutaryl-CoA dehydrogenase deficiency; Glutaricaciduria, type I; Glutaricacidemia Type 1; Glutaric Acidemia Type 1; GA I; Glutaric acidemia type I. Identifiers: Orphanet 25, MedGen C0268595, MONDO:0009281, OMIM 231670.

Submission:

Labcorp Genetics (formerly Invitae), Labcorp
Classification: Pathogenic for Glutaric aciduria, type 1. Last evaluated: 2024-05-20. Review status: criteria provided, single submitter. Criteria: Invitae Variant Classification Sherloc (09022015). Collection method: clinical testing. Allele origin: germline.
Comment: This sequence change creates a premature translational stop signal (p.Gly279Profs*65) in the GCDH gene. It is expected to result in an absent or disrupted protein product. Loss-of-function variants in GCDH are known to be pathogenic (PMID: 10699052, 11854167, 16602100). This variant is present in population databases (no rsID available, gnomAD 0.003%). This variant has not been reported in the literature in individuals affected with GCDH-related conditions. ClinVar contains an entry for this variant (Variation ID: 1951275). For these reasons, this variant has been classified as Pathogenic.

Literature cited by the submitters: PubMed 10699052; PubMed 11854167; PubMed 16602100.